The following is an entry in ClinVar:

ClinVar aggregate classification (germline): Uncertain significance (1 of 4 stars; one submission).

Conditions:
Hereditary sensory and autonomic neuropathy type 1 (HSAN1). Also called: HSAN 1; HSN Type I; Hereditary Sensory Neuropathy Type I. Identifiers: Orphanet 36386, MedGen C0020071, MONDO:0018213.

Allele frequency attached by ClinVar (database versions not stated): gnomAD 0.00001; TOPMed below 0.00001.
gnomAD v4.1: 1 of 1,575,910 alleles (0.000063%); highest among the groups gnomAD compares: Non-Finnish European, 0.000087%; no homozygotes.

Submission:

Labcorp Genetics (formerly Invitae), Labcorp
Classification: Uncertain significance for Hereditary sensory and autonomic neuropathy type 1. Last evaluated: 2024-08-06. Review status: criteria provided, single submitter. Criteria: Invitae Variant Classification Sherloc (09022015). Collection method: clinical testing. Allele origin: germline.
Comment: This sequence change falls in intron 2 of the SPTLC1 gene. It does not directly change the encoded amino acid sequence of the SPTLC1 protein. This variant is not present in population databases (gnomAD no frequency). This variant has not been reported in the literature in individuals affected with SPTLC1-related conditions. ClinVar contains an entry for this variant (Variation ID: 1387941). Algorithms developed to predict the effect of sequence changes on RNA splicing suggest that this variant may create or strengthen a splice site. In summary, the available evidence is currently insufficient to determine the role of this variant in disease. Therefore, it has been classified as a Variant of Uncertain Significance.

NM_006415.4(SPTLC1):c.166-18A>G

Gene: SPTLC1 (serine palmitoyltransferase long chain base subunit 1; minus strand). Cytogenetic location: 9q22.31.
Variant type: single nucleotide variant.
Coding change: c.166-18A>G on transcript NM_006415.4 (MANE Select); 18 bases into the intron before coding-DNA position 166, A replaced by G.
Molecular consequence: intron variant.
Genome position (GRCh38, 1-based): chr9:92,108,852, T>C on the plus strand (A>G on the coding strand, the complement: SPTLC1 is on the minus strand). VCF-style: chr9-92108852-T-C. GRCh37 (hg19) VCF-style: chr9-94871134-T-C.
Other names: c.166-18A>G (NM_001281303.2, NM_178324.3); c.-334-18A>G (NM_001368272.1); c.-300-18A>G (NM_001368273.1).
Identifiers: ClinVar variation 1387941 (VCV001387941.8), dbSNP rs1738529763, ClinGen allele CA1126766444.